The following is an entry in ClinVar:

NM_003119.4(SPG7):c.-1C>G

Genes: SPG7 (SPG7 matrix AAA peptidase subunit, paraplegin; plus strand), LOC130059818 (ATAC-STARR-seq lymphoblastoid silent region 7911; plus strand). Cytogenetic location: 16q24.3.
Variant type: single nucleotide variant.
Coding change: c.-1C>G on transcript NM_003119.4 (MANE Select); 1 bases upstream of the start codon, C replaced by G.
Molecular consequence: 5 prime UTR variant.
Genome position (GRCh38, 1-based): chr16:89,508,417, C>G. VCF-style: chr16-89508417-C-G. GRCh37 (hg19) VCF-style: chr16-89574825-C-G.
Other names: c.-1C>G (NM_001363850.1, NM_199367.3).
Identifiers: ClinVar variation 4977843 (VCV004977843.1).

ClinVar aggregate classification (germline): Likely benign (1 of 4 stars; one submission).

Conditions:
SPG7-related disorder. Also called: SPG7-related condition.

gnomAD v4.1: 16 of 1,487,930 alleles (0.0011%); highest among the groups gnomAD compares: Middle Eastern, 0.047%; no homozygotes.

Submission:

PreventionGenetics, part of Exact Sciences
Classification: Likely benign for SPG7-related condition. Last evaluated: 2025-12-16. Review status: criteria provided, single submitter. Criteria: ACMG Guidelines, 2015. Collection method: clinical testing. Allele origin: germline.
Comment: This variant is classified as likely benign based on ACMG/AMP sequence variant interpretation guidelines (Richards et al. 2015 PMID: 25741868, with internal and published modifications).